The following is an entry in ClinVar:

ClinVar aggregate classification (germline): Uncertain significance (1 of 4 stars; one submission).

gnomAD v4.1: 7 of 1,607,308 alleles (0.00044%); highest among the groups gnomAD compares: Non-Finnish European, 0.00059%; no homozygotes.

Submission:

Labcorp Genetics (formerly Invitae), Labcorp
Classification: Uncertain significance. Last evaluated: 2022-03-04. Review status: criteria provided, single submitter. Criteria: Invitae Variant Classification Sherloc (09022015). Collection method: clinical testing. Allele origin: germline.
Comment: In summary, the available evidence is currently insufficient to determine the role of this variant in disease. Therefore, it has been classified as a Variant of Uncertain Significance. Algorithms developed to predict the effect of missense changes on protein structure and function are either unavailable or do not agree on the potential impact of this missense change (SIFT: "Deleterious"; PolyPhen-2: "Possibly Damaging"; Align-GVGD: "Class C0"). This variant has not been reported in the literature in individuals affected with KANK1-related conditions. This variant is not present in population databases (gnomAD no frequency). This sequence change replaces histidine, which is basic and polar, with glutamine, which is neutral and polar, at codon 825 of the KANK1 protein (p.His825Gln).

NM_015158.5(KANK1):c.2475C>G (p.His825Gln)

Gene: KANK1 (KN motif and ankyrin repeat domains 1; plus strand). Cytogenetic location: 9p24.3.
Variant type: single nucleotide variant.
Coding change: c.2475C>G on transcript NM_015158.5 (MANE Select); coding-DNA position 2475, C replaced by G.
Protein change: p.His825Gln; replaces histidine 825 with glutamine.
Molecular consequence: missense variant. On other transcripts: non-coding transcript variant (1).
Genome position (GRCh38, 1-based): chr9:713,241, C>G. VCF-style: chr9-713241-C-G. GRCh37 (hg19) VCF-style: chr9-713241-C-G.
Other names: c.2475C>G, p.His825Gln (NM_001256876.3, NM_001256877.3, NM_001354331.2 and 2 more transcripts); c.2001C>G, p.His667Gln (NM_001354333.2, NM_001354335.2, NM_001354336.2 and 9 more transcripts); short protein forms H667Q, H825Q.
Identifiers: ClinVar variation 2106132 (VCV002106132.4), dbSNP rs1465149483, ClinGen allele CA372750346.